The following is an entry in ClinVar:

NM_001069.3(TUBB2A):c.780C>T (p.Phe260=)

Gene: TUBB2A (tubulin beta 2A class IIa; minus strand). Cytogenetic location: 6p25.2.
Variant type: single nucleotide variant.
Coding change: c.780C>T on transcript NM_001069.3 (MANE Select); coding-DNA position 780, C replaced by T.
Protein change: p.Phe260=; no amino-acid change (phenylalanine 260 retained).
Molecular consequence: synonymous variant.
Genome position (GRCh38, 1-based): chr6:3,154,421, G>A on the plus strand (C>T on the coding strand, the complement: TUBB2A is on the minus strand). VCF-style: chr6-3154421-G-A. GRCh37 (hg19) VCF-style: chr6-3154655-G-A.
Other names: c.525C>T, p.Phe175= (NM_001310315.2).
Identifiers: ClinVar variation 385993 (VCV000385993.40), dbSNP rs145184832, ClinGen allele CA3618995.
Genomic context (GRCh38, chr6:3,154,421, plus strand): 5'-CTGCTGGCTGCCCCGGCTGGTCAGGGGCGCGAAGCCGGGCATGAAGAAGTGCAGGCGAGG[G>A]AAGGGCACCATGTTCACCGCCAGCTTGCGCAGGTCTGCGTTCAGCTGGCCCGGGAAGCGC-3'
Protein context (NP_001060.1, residues 250-270): LRKLAVNMVP[Phe260=]PRLHFFMPGF

ClinVar aggregate classification (germline): Benign/Likely benign. Review status: criteria provided, multiple submitters, no conflicts (2 of 4 stars). 6 submissions from 6 submitters: Benign (2); Likely benign (4). Last evaluated 2026-08-01.

Allele frequency attached by ClinVar (database versions not stated): 1000 Genomes Project 30x 0.00062; 1000 Genomes Project 0.00080; ESP Exome Variant Server 0.00243; TOPMed 0.00363; gnomAD 0.00387 and 0.00396; gnomAD exomes 0.00405 and 0.00619; ExAC 0.01128.
gnomAD v4.1: 9,249 of 1,547,278 alleles (0.6%); highest among the groups gnomAD compares: Non-Finnish European, 0.76%; 56 homozygotes.

Submissions (6):

CeGaT Center for Human Genetics Tuebingen
Classification: Likely benign. Last evaluated: 2026-08-01. Review status: criteria provided, single submitter. Criteria: CeGaT Center For Human Genetics Tuebingen Variant Classification Criteria Version 2. Collection method: clinical testing. Allele origin: germline. Affected: yes. Observed: 23 variant alleles.
Comment: TUBB2A: BP4, BS2

Labcorp Genetics (formerly Invitae), Labcorp
Classification: Likely benign. Last evaluated: 2026-02-02. Review status: criteria provided, single submitter. Criteria: Invitae Variant Classification Sherloc (09022015). Collection method: clinical testing. Allele origin: germline.

Blueprint Genetics
Classification: Benign. Last evaluated: 2024-11-21. Review status: criteria provided, single submitter. Criteria: ACMG Guidelines, 2015. Collection method: clinical testing. Allele origin: germline.

GeneDx
Classification: Benign. Last evaluated: 2019-05-07. Review status: criteria provided, single submitter. Criteria: GeneDx Variant Classification Process June 2021. Collection method: clinical testing. Allele origin: germline. Affected: yes.

Genetic Services Laboratory, University of Chicago
Classification: Likely benign. Last evaluated: 2018-11-01. Review status: criteria provided, single submitter. Criteria: ACMG Guidelines, 2015. Collection method: clinical testing. Allele origin: germline. Affected: no.

Breakthrough Genomics
Classification: Likely benign. Review status: criteria provided, single submitter. Criteria: ACMG Guidelines, 2015. Collection method: not provided. Allele origin: germline. Inheritance: Autosomal dominant inheritance. Affected: yes.